The following is an entry in ClinVar:

ClinVar aggregate classification (germline): Benign (1 of 4 stars; one submission).

gnomAD v4.1: 5,764 of 1,597,746 alleles (0.36%); highest among the groups gnomAD compares: Admixed American, 0.42%; 39 homozygotes.

Submission:

Mayo Clinic Laboratories, Mayo Clinic
Classification: Benign. Last evaluated: 2023-06-09. Review status: criteria provided, single submitter. Criteria: ACMG Guidelines, 2015. Collection method: clinical testing. Allele origin: germline. Observed: 2 variant alleles.
Comment: BA1, BP4, BP7

NM_004817.4(TJP2):c.2667+25T>C

Gene: TJP2 (tight junction protein 2; plus strand). Cytogenetic location: 9q21.11.
Variant type: single nucleotide variant.
Coding change: c.2667+25T>C on transcript NM_004817.4 (MANE Select); 25 bases into the intron after coding-DNA position 2667, T replaced by C.
Molecular consequence: intron variant.
Genome position (GRCh38, 1-based): chr9:69,246,815, T>C. VCF-style: chr9-69246815-T-C. GRCh37 (hg19) VCF-style: chr9-71861731-T-C.
Other names: p.?; c.2598+25T>C (NM_001170414.2, NM_001369871.1); c.2592+25T>C (NM_001369870.1); c.2667+25T>C (NM_201629.3, NM_001369872.1, NM_001369873.1); c.2679+25T>C (NM_001170415.1, NM_001369875.1, NM_001369874.1); c.2760+25T>C (NM_001170416.2).
Identifiers: ClinVar variation 4683398 (VCV004683398.1).